The following is an entry in ClinVar:

ClinVar aggregate classification (germline): Benign/Likely benign. Review status: criteria provided, multiple submitters, no conflicts (2 of 4 stars). 8 submissions from 8 submitters: Benign (7); Likely benign (1). Last evaluated 2026-02-04.

Conditions:
Primary ciliary dyskinesia. Also called: Ciliary dyskinesia. Identifiers: Orphanet 244, MedGen C0008780, MONDO:0016575, HP:0012265.
Primary ciliary dyskinesia 7. Also called: CILIARY DYSKINESIA, PRIMARY, 7, WITH OR WITHOUT SITUS INVERSUS. Identifiers: Orphanet 244, MedGen C2678473, MONDO:0012748, OMIM 611884.

Allele frequency attached by ClinVar (database versions not stated): 1000 Genomes Project 0.14497; 1000 Genomes Project 30x 0.14569; gnomAD 0.14853; TOPMed 0.15170; ESP Exome Variant Server 0.15576; gnomAD exomes 0.16096.
gnomAD v4.1: 258,086 of 1,612,248 alleles (16%); highest among the groups gnomAD compares: Middle Eastern, 20%; 21,350 homozygotes.

Submissions (8):

Labcorp Genetics (formerly Invitae), Labcorp
Classification: Benign for Primary ciliary dyskinesia. Last evaluated: 2026-02-04. Review status: criteria provided, single submitter. Criteria: Invitae Variant Classification Sherloc (09022015). Collection method: clinical testing. Allele origin: germline.

Blueprint Genetics
Classification: Benign. Last evaluated: 2024-11-27. Review status: criteria provided, single submitter. Criteria: ACMG Guidelines, 2015. Collection method: clinical testing. Allele origin: germline.

Mayo Clinic Laboratories, Mayo Clinic
Classification: Benign. Last evaluated: 2022-04-26. Review status: criteria provided, single submitter. Criteria: ACMG Guidelines, 2015. Collection method: clinical testing. Allele origin: germline. Observed: 54 variant alleles.

Genome-Nilou Lab
Classification: Benign for Primary ciliary dyskinesia 7. Last evaluated: 2021-07-30. Review status: criteria provided, single submitter. Criteria: ACMG Guidelines, 2015. Collection method: clinical testing. Allele origin: germline. Affected: no.

GeneDx
Classification: Benign. Last evaluated: 2019-01-21. Review status: criteria provided, single submitter. Criteria: GeneDx Variant Classification Process June 2021. Collection method: clinical testing. Allele origin: germline. Affected: yes.

Laboratory for Molecular Medicine, Mass General Brigham Personalized Medicine
Classification: Benign. Last evaluated: 2013-02-21. Review status: criteria provided, single submitter. Criteria: LMM Criteria. Collection method: clinical testing. Allele origin: germline. Observed: 36 variant alleles.
Comment: Gln639Arg in exon 11 of DNAH11: This variant is not expected to have clinical si gnificance because it has been identified in 16.9% (1393/8222) of European Ameri can chromosomes from a broad population by the NHLBI Exome Sequencing Project (dbSNP rs12670130).

Breakthrough Genomics
Classification: Likely benign. Review status: criteria provided, single submitter. Criteria: ACMG Guidelines, 2015. Collection method: not provided. Allele origin: germline. Inheritance: Autosomal recessive inheritance. Affected: yes.

PreventionGenetics, part of Exact Sciences
Classification: Benign. Review status: criteria provided, single submitter. Criteria: ACMG Guidelines, 2015. Collection method: clinical testing. Allele origin: germline.

NM_001277115.2(DNAH11):c.1916A>G (p.Gln639Arg)

Gene: DNAH11 (dynein axonemal heavy chain 11; plus strand). Cytogenetic location: 7p15.3.
Variant type: single nucleotide variant.
Coding change: c.1916A>G on transcript NM_001277115.2 (MANE Select); coding-DNA position 1916, A replaced by G.
Protein change: p.Gln639Arg; replaces glutamine 639 with arginine.
Molecular consequence: missense variant.
Genome position (GRCh38, 1-based): chr7:21,588,579, A>G. VCF-style: chr7-21588579-A-G. GRCh37 (hg19) VCF-style: chr7-21628197-A-G.
Other names: short protein forms Q639R.
Identifiers: ClinVar variation 163096 (VCV000163096.27), dbSNP rs12670130, ClinGen allele CA175704.
Genomic context (GRCh38, chr7:21,588,579, plus strand): 5'-GTGGTCATGTAGTTCTTAACAAGAACATGCCATTTACCTCAGGAAATATGAAATGGGCCC[A>G]GCAGGTTCTCCAACGACTTCAAATGTTTTGGTCAAACTTCGCATCTCTCCGTTATCTGTA-3'
Protein context (NP_001264044.1, residues 629-649): PFTSGNMKWA[Gln639Arg]QVLQRLQMFW